The following is an entry in ClinVar:

NM_005477.3(HCN4):c.683A>G (p.Lys228Arg)

Gene: HCN4 (hyperpolarization activated cyclic nucleotide gated potassium channel 4; minus strand). Cytogenetic location: 15q24.1.
Variant type: single nucleotide variant.
Coding change: c.683A>G on transcript NM_005477.3 (MANE Select); coding-DNA position 683, A replaced by G.
Protein change: p.Lys228Arg; replaces lysine 228 with arginine.
Molecular consequence: missense variant.
Genome position (GRCh38, 1-based): chr15:73,367,588, T>C on the plus strand (A>G on the coding strand, the complement: HCN4 is on the minus strand). VCF-style: chr15-73367588-T-C. GRCh37 (hg19) VCF-style: chr15-73659929-T-C.
Other names: short protein forms K228R.
Identifiers: ClinVar variation 2133984 (VCV002133984.4), dbSNP rs2549080134, ClinGen allele CA393097243.

ClinVar aggregate classification (germline): Uncertain significance (1 of 4 stars; one submission).

Conditions:
Brugada syndrome 8 (BRGDA8). Identifiers: Orphanet 130, MedGen C2751083, MONDO:0013148, OMIM 613123.

Submission:

Labcorp Genetics (formerly Invitae), Labcorp
Classification: Uncertain significance for Brugada syndrome 8. Last evaluated: 2022-05-05. Review status: criteria provided, single submitter. Criteria: Invitae Variant Classification Sherloc (09022015). Collection method: clinical testing. Allele origin: germline.
Comment: In summary, the available evidence is currently insufficient to determine the role of this variant in disease. Therefore, it has been classified as a Variant of Uncertain Significance. Advanced modeling of protein sequence and biophysical properties (such as structural, functional, and spatial information, amino acid conservation, physicochemical variation, residue mobility, and thermodynamic stability) performed at Invitae indicates that this missense variant is not expected to disrupt HCN4 protein function. This variant has not been reported in the literature in individuals affected with HCN4-related conditions. This variant is not present in population databases (gnomAD no frequency). This sequence change replaces lysine, which is basic and polar, with arginine, which is basic and polar, at codon 228 of the HCN4 protein (p.Lys228Arg).